The following is an entry in ClinVar:

ClinVar aggregate classification (germline): Benign. Review status: criteria provided, multiple submitters, no conflicts (2 of 4 stars). 2 submissions from 2 submitters: Benign (2). Last evaluated 2014-11-07.

Allele frequency attached by ClinVar (database versions not stated): TOPMed 0.00004; ESP Exome Variant Server 0.00008; 1000 Genomes Project 0.00359; 1000 Genomes Project 30x 0.00375.
gnomAD v4.1: 1,638 of 1,610,556 alleles (0.1%); highest among the groups gnomAD compares: South Asian, 1.7%; 24 homozygotes.

Submissions (2):

GeneDx
Classification: Benign. Last evaluated: 2014-11-07. Review status: criteria provided, single submitter. Criteria: GeneDx Variant Classification (06012015). Collection method: clinical testing. Allele origin: germline. Affected: yes.
Comment: This variant is considered likely benign or benign based on one or more of the following criteria: it is a conservative change, it occurs at a poorly conserved position in the protein, it is predicted to be benign by multiple in silico algorithms, and/or has population frequency not consistent with disease.

Breakthrough Genomics
Classification: Benign. Review status: criteria provided, single submitter. Criteria: ACMG Guidelines, 2015. Collection method: not provided. Allele origin: germline. Inheritance: Autosomal recessive inheritance. Affected: yes.

NM_175073.2(APTX):c.-194C>G

Gene: APTX (aprataxin; minus strand). Cytogenetic location: 9p21.1.
Variant type: single nucleotide variant.
Coding change: c.-194C>G on transcript NM_175073.2; 194 bases upstream of the start codon, C replaced by G.
Molecular consequence: intron variant (on NM_001369003.1).
Genome position (GRCh38, 1-based): chr9:33,001,650, G>C on the plus strand (C>G on the coding strand, the complement: APTX is on the minus strand). VCF-style: chr9-33001650-G-C. GRCh37 (hg19) VCF-style: chr9-33001648-G-C.
Other names: c.-263-11755C>G (NM_001369003.1, NM_001369002.1); c.-4-11755C>G (NM_001368997.1, NM_001368999.1, NM_001369001.1 and 3 more transcripts).
Identifiers: ClinVar variation 214125 (VCV000214125.4), dbSNP rs375155817, ClinGen allele CA322061.